The following is an entry in ClinVar:

ClinVar aggregate classification (germline): Uncertain significance. Review status: criteria provided, multiple submitters, no conflicts (2 of 4 stars). 2 submissions from 2 submitters: Uncertain significance (2). Last evaluated 2024-05-02.

Conditions:
Familial adenomatous polyposis 1 (FAP1). Also called: POLYPOSIS, ADENOMATOUS INTESTINAL; FAMILIAL ADENOMATOUS POLYPOSIS 1, ATTENUATED. Identifiers: MedGen C2713442, MONDO:0021056, OMIM 175100. Disease mechanism: loss of function.
Hereditary cancer-predisposing syndrome. Also called: Hereditary Cancer Syndrome; Tumor predisposition; Neoplastic Syndromes, Hereditary; Hereditary neoplastic syndrome. Identifiers: Orphanet 140162, MedGen C0027672, MeSH D009386, MONDO:0015356.

gnomAD v4.1: 4 of 1,614,016 alleles (0.00025%); highest among the groups gnomAD compares: Non-Finnish European, 0.00034%; no homozygotes.

Submissions (2):

Ambry Genetics
Classification: Uncertain significance for Hereditary cancer-predisposing syndrome. Last evaluated: 2024-05-02. Review status: criteria provided, single submitter. Criteria: Ambry Variant Classification Scheme 2023. Collection method: clinical testing. Allele origin: germline.
Comment: The p.G430S variant (also known as c.1288G>A), located in coding exon 9 of the APC gene, results from a G to A substitution at nucleotide position 1288. The glycine at codon 430 is replaced by serine, an amino acid with similar properties. This amino acid position is conserved. In addition, in silico predictors for this gene do not accurately predict pathogenicity. Based on the available evidence, the clinical significance of this variant remains unclear.

Labcorp Genetics (formerly Invitae), Labcorp
Classification: Uncertain significance for Familial adenomatous polyposis 1. Last evaluated: 2022-04-08. Review status: criteria provided, single submitter. Criteria: Invitae Variant Classification Sherloc (09022015). Collection method: clinical testing. Allele origin: germline.
Comment: In summary, the available evidence is currently insufficient to determine the role of this variant in disease. Therefore, it has been classified as a Variant of Uncertain Significance. Algorithms developed to predict the effect of missense changes on protein structure and function (SIFT, PolyPhen-2, Align-GVGD) all suggest that this variant is likely to be tolerated. This variant has not been reported in the literature in individuals affected with APC-related conditions. This variant is not present in population databases (gnomAD no frequency). This sequence change replaces glycine, which is neutral and non-polar, with serine, which is neutral and polar, at codon 430 of the APC protein (p.Gly430Ser).

NM_000038.6(APC):c.1288G>A (p.Gly430Ser)

Gene: APC (APC regulator of Wnt signaling pathway; plus strand). Cytogenetic location: 5q22.2.
Variant type: single nucleotide variant.
Coding change: c.1288G>A on transcript NM_000038.6 (MANE Select); coding-DNA position 1288, G replaced by A.
Protein change: p.Gly430Ser; replaces glycine 430 with serine.
Molecular consequence: missense variant.
Genome position (GRCh38, 1-based): chr5:112,819,320, G>A. VCF-style: chr5-112819320-G-A. GRCh37 (hg19) VCF-style: chr5-112155017-G-A.
Other names: c.1288G>A (NM_000038.5); c.1288G>A, p.Gly430Ser (NM_001127510.3, NM_001354895.2, NM_001354896.2 and 4 more transcripts); c.1234G>A, p.Gly412Ser (NM_001127511.3); c.1318G>A, p.Gly440Ser (NM_001354897.2, NM_001407446.1); c.1213G>A, p.Gly405Ser (NM_001354898.2, NM_001407451.1); c.1204G>A, p.Gly402Ser (NM_001354899.2, NM_001407452.1); c.1111G>A, p.Gly371Ser (NM_001354900.2, NM_001354901.2, NM_001407453.1); c.1015G>A, p.Gly339Ser (NM_001354902.2); and 6 more; short protein forms G270S, G304S, G412S, G147S, G301S, G329S, G339S, G371S.
Identifiers: ClinVar variation 2123060 (VCV002123060.5), dbSNP rs1762869952, ClinGen allele CA16024125.